The following is an entry in ClinVar:

ClinVar aggregate classification (germline): Conflicting classifications of pathogenicity. Review status: criteria provided, conflicting classifications (1 of 4 stars). 4 submissions from 4 submitters: Uncertain significance (3); Likely benign (1). Last evaluated 2025-10-15.

Conditions:
Cardiovascular phenotype. Identifiers: MedGen CN230736.
Hereditary cancer-predisposing syndrome. Also called: Neoplastic Syndromes, Hereditary; Hereditary neoplastic syndrome; Hereditary Cancer Syndrome; Tumor predisposition. Identifiers: Orphanet 140162, MedGen C0027672, MeSH D009386, MONDO:0015356.
Neurofibromatosis, type 1 (NF1). Also called: VON RECKLINGHAUSEN DISEASE; NEUROFIBROMATOSIS, TYPE I, SOMATIC; Peripheral type neurofibromatosis; Neurofibromatosis, type I. Identifiers: Orphanet 636, MedGen C0027831, MONDO:0018975, OMIM 162200. Disease mechanism: loss of function.

Allele frequency attached by ClinVar (database versions not stated): gnomAD exomes below 0.00001; TOPMed below 0.00001; gnomAD 0.00001.
gnomAD v4.1: 6 of 1,612,426 alleles (0.00037%); highest among the groups gnomAD compares: African/African-American, 0.0013%; no homozygotes.

Submissions (4):

Labcorp Genetics (formerly Invitae), Labcorp
Classification: Likely benign for Neurofibromatosis, type 1. Last evaluated: 2025-10-15. Review status: criteria provided, single submitter. Criteria: Invitae Variant Classification Sherloc (09022015). Collection method: clinical testing. Allele origin: germline.

GeneDx
Classification: Uncertain significance. Last evaluated: 2025-07-17. Review status: criteria provided, single submitter. Criteria: GeneDx Variant Classification Process June 2021. Collection method: clinical testing. Allele origin: germline. Affected: yes.
Comment: In silico analysis supports that this missense variant has a deleterious effect on protein structure/function; Has not been previously published as pathogenic or benign to our knowledge

Ambry Genetics
Classification: Uncertain significance for Cardiovascular phenotype; Hereditary cancer-predisposing syndrome. Last evaluated: 2024-12-18. Review status: criteria provided, single submitter. Criteria: Ambry Variant Classification Scheme 2023. Collection method: clinical testing. Allele origin: germline.
Comment: The p.V1736A variant (also known as c.5207T>C), located in coding exon 37 of the NF1 gene, results from a T to C substitution at nucleotide position 5207. The valine at codon 1736 is replaced by alanine, an amino acid with similar properties. This amino acid position is highly conserved in available vertebrate species. In addition, the in silico prediction for this alteration is inconclusive. Based on the available evidence, the clinical significance of this variant remains unclear.

Genome-Nilou Lab
Classification: Uncertain significance for Neurofibromatosis, type 1. Last evaluated: 2022-03-15. Review status: criteria provided, single submitter. Criteria: ACMG Guidelines, 2015. Collection method: clinical testing. Allele origin: germline. Affected: no.

NM_001042492.3(NF1):c.5270T>C (p.Val1757Ala)

Gene: NF1 (neurofibromin 1; plus strand). Cytogenetic location: 17q11.2.
Variant type: single nucleotide variant.
Coding change: c.5270T>C on transcript NM_001042492.3 (MANE Select); coding-DNA position 5270, T replaced by C.
Protein change: p.Val1757Ala; replaces valine 1757 with alanine.
Molecular consequence: missense variant.
Genome position (GRCh38, 1-based): chr17:31,327,500, T>C. VCF-style: chr17-31327500-T-C. GRCh37 (hg19) VCF-style: chr17-29654518-T-C.
Other names: c.5207T>C, p.Val1736Ala (NM_000267.4); short protein forms V1757A, V1736A.
Identifiers: ClinVar variation 657452 (VCV000657452.12), dbSNP rs1021835871, ClinGen allele CA289378534.